The following is an entry in ClinVar:

ClinVar aggregate classification (germline): Uncertain significance (1 of 4 stars; one submission).

Conditions:
Cohen syndrome (COH1). Also called: PEPPER SYNDROME; Cutis verticis gyrata, retinitis pigmentosa, and sensorineural deafness. Identifiers: Orphanet 193, MedGen C0265223, MONDO:0008999, OMIM 216550.

Submission:

Labcorp Genetics (formerly Invitae), Labcorp
Classification: Uncertain significance for Cohen syndrome. Last evaluated: 2021-11-15. Review status: criteria provided, single submitter. Criteria: Invitae Variant Classification Sherloc (09022015). Collection method: clinical testing. Allele origin: germline.
Comment: This sequence change replaces tryptophan, which is neutral and slightly polar, with arginine, which is basic and polar, at codon 1103 of the VPS13B protein (p.Trp1103Arg). This variant is not present in population databases (gnomAD no frequency). This variant has not been reported in the literature in individuals affected with VPS13B-related conditions. Algorithms developed to predict the effect of missense changes on protein structure and function are either unavailable or do not agree on the potential impact of this missense change (SIFT: "Not Available"; PolyPhen-2: "Probably Damaging"; Align-GVGD: "Not Available"). In summary, the available evidence is currently insufficient to determine the role of this variant in disease. Therefore, it has been classified as a Variant of Uncertain Significance.

NM_152564.5(VPS13B):c.3307T>A (p.Trp1103Arg)

Gene: VPS13B (vacuolar protein sorting 13 homolog B; plus strand). Cytogenetic location: 8q22.2.
Variant type: single nucleotide variant.
Coding change: c.3307T>A on transcript NM_152564.5 (MANE Select); coding-DNA position 3307, T replaced by A.
Protein change: p.Trp1103Arg; replaces tryptophan 1103 with arginine.
Molecular consequence: missense variant.
Genome position (GRCh38, 1-based): chr8:99,442,497, T>A. VCF-style: chr8-99442497-T-A. GRCh37 (hg19) VCF-style: chr8-100454725-T-A.
Other names: c.3307T>A, p.Trp1103Arg (NM_017890.5); short protein forms W1103R.
Identifiers: ClinVar variation 1409688 (VCV001409688.6), dbSNP rs747406522, ClinGen allele CA371870637.